The following is an entry in ClinVar:

ClinVar aggregate classification (germline): Conflicting classifications of pathogenicity. Review status: criteria provided, conflicting classifications (1 of 4 stars). 2 submissions from 2 submitters: Uncertain significance (1); Likely benign (1). Last evaluated 2025-06-18.

Conditions:
Oto-palato-digital syndrome, type II (OPD2). Also called: FACIOPALATOOSSEOUS SYNDROME; OPD II SYNDROME; Otopalatodigital Syndrome Type 2 (FLNA-OPD2); Otopalatodigital Syndrome, Type II. Identifiers: Orphanet 669, Orphanet 90652, MedGen C1844696, MONDO:0010571, OMIM 304120.
Heterotopia, periventricular, X-linked dominant (PVNH1). Also called: PERIVENTRICULAR NODULAR HETEROTOPIA 1; X-linked periventricular heterotopia; PERIVENTRICULAR NODULAR HETEROTOPIA 4; HETEROTOPIA, PERIVENTRICULAR, 1. Identifiers: Orphanet 2149, Orphanet 82004, MedGen C1848213, MONDO:0010233, OMIM 300049.
Frontometaphyseal dysplasia (FMD1). Identifiers: Orphanet 1826, MedGen C0265293, MONDO:0015942.
Melnick-Needles syndrome (MNS). Also called: MELNICK-NEEDLES OSTEODYSPLASTY; OSTEODYSPLASTY OF MELNICK AND NEEDLES; Melnick-Needles Syndrome (FLNA-MNS). Identifiers: Orphanet 2484, MedGen C0025237, MONDO:0010650, OMIM 309350.

gnomAD v4.1: 9 of 1,209,720 alleles (0.00074%); highest among the groups gnomAD compares: Admixed American, 0.011%; no homozygotes.

Submissions (2):

Labcorp Genetics (formerly Invitae), Labcorp
Classification: Uncertain significance for Oto-palato-digital syndrome, type II; Heterotopia, periventricular, X-linked dominant; Frontometaphyseal dysplasia; Melnick-Needles syndrome. Last evaluated: 2025-06-18. Review status: criteria provided, single submitter. Criteria: Invitae Variant Classification Sherloc (09022015). Collection method: clinical testing. Allele origin: germline.
Comment: This sequence change falls in intron 21 of the FLNA gene. It does not directly change the encoded amino acid sequence of the FLNA protein. It affects a nucleotide within the consensus splice site. This variant is present in population databases (rs782555499, gnomAD 0.01%). This variant has not been reported in the literature in individuals affected with FLNA-related conditions. ClinVar contains an entry for this variant (Variation ID: 388849). Variants that disrupt the consensus splice site are a relatively common cause of aberrant splicing (PMID: 17576681, 9536098). Algorithms developed to predict the effect of sequence changes on RNA splicing suggest that this variant is not likely to affect RNA splicing. In summary, the available evidence is currently insufficient to determine the role of this variant in disease. Therefore, it has been classified as a Variant of Uncertain Significance.

GeneDx
Classification: Likely benign. Last evaluated: 2016-08-22. Review status: criteria provided, single submitter. Criteria: GeneDx Variant Classification (06012015). Collection method: clinical testing. Allele origin: germline. Affected: yes.
Comment: This variant is considered likely benign or benign based on one or more of the following criteria: it is a conservative change, it occurs at a poorly conserved position in the protein, it is predicted to be benign by multiple in silico algorithms, and/or has population frequency not consistent with disease.

Literature cited by the submitters: PubMed 17576681 (cited by Labcorp Genetics (formerly Invitae), Labcorp); PubMed 9536098 (cited by Labcorp Genetics (formerly Invitae), Labcorp).

NM_001110556.2(FLNA):c.3207+5T>C

Gene: FLNA (filamin A; minus strand). Cytogenetic location: Xq28.
Variant type: single nucleotide variant.
Coding change: c.3207+5T>C on transcript NM_001110556.2 (MANE Select); 5 bases into the intron after coding-DNA position 3207, T replaced by C.
Molecular consequence: intron variant.
Genome position (GRCh38, 1-based): chrX:154,361,303, A>G on the plus strand (T>C on the coding strand, the complement: FLNA is on the minus strand). VCF-style: chrX-154361303-A-G. GRCh37 (hg19) VCF-style: chrX-153589671-A-G.
Other names: c.3207+5T>C (NM_001456.4).
Identifiers: ClinVar variation 388849 (VCV000388849.4), dbSNP rs782555499, ClinGen allele CA10560758.